The following is an entry in ClinVar:

NM_005245.4(FAT1):c.2236A>G (p.Thr746Ala)

Gene: FAT1 (FAT atypical cadherin 1; minus strand). Cytogenetic location: 4q35.2.
Variant type: single nucleotide variant.
Coding change: c.2236A>G on transcript NM_005245.4 (MANE Select); coding-DNA position 2236, A replaced by G.
Protein change: p.Thr746Ala; replaces threonine 746 with alanine.
Molecular consequence: missense variant.
Genome position (GRCh38, 1-based): chr4:186,707,592, T>C on the plus strand (A>G on the coding strand, the complement: FAT1 is on the minus strand). VCF-style: chr4-186707592-T-C. GRCh37 (hg19) VCF-style: chr4-187628746-T-C.
Other names: short protein forms T746A.
Identifiers: ClinVar variation 728740 (VCV000728740.33), dbSNP rs372906523, ClinGen allele CA3167305.
Genomic context (GRCh38, chr4:186,707,592, plus strand): 5'-TGAAGCAACTATCCTCATTTCCTCCAGAAACAGCATAGACCAGTTTTCCATTGAAGCCAG[T>C]GTCAAGGTCAGTGGAGTTCATGAAAATTACACTGGAACCCACAGGCTGGTTTTCCTTTAC-3'
Protein context (NP_005236.2, residues 736-756): VIFMNSTDLD[Thr746Ala]GFNGKLVYAV

ClinVar aggregate classification (germline): Benign/Likely benign. Review status: criteria provided, multiple submitters, no conflicts (2 of 4 stars). 4 submissions from 4 submitters: Benign (1); Likely benign (1). 2 of the submissions do not count toward it. Last evaluated 2025-12-14.

Conditions:
FAT1-related disorder. Also called: FAT1-related condition.

Allele frequency attached by ClinVar (database versions not stated): ESP Exome Variant Server 0.00017; gnomAD 0.00026 and 0.00048; TOPMed 0.00032; gnomAD exomes 0.00084 and 0.00155; ExAC 0.00168; 1000 Genomes Project 30x 0.00187; 1000 Genomes Project 0.00200.
gnomAD v4.1: 1,316 of 1,614,008 alleles (0.082%); highest among the groups gnomAD compares: South Asian, 0.91%; 15 homozygotes.

Submissions (4):

Labcorp Genetics (formerly Invitae), Labcorp
Classification: Benign. Last evaluated: 2025-12-14. Review status: criteria provided, single submitter. Criteria: Invitae Variant Classification Sherloc (09022015). Collection method: clinical testing. Allele origin: germline.

CeGaT Center for Human Genetics Tuebingen
Classification: Likely benign. Last evaluated: 2023-06-01. Review status: criteria provided, single submitter. Criteria: CeGaT Center For Human Genetics Tuebingen Variant Classification Criteria Version 2. Collection method: clinical testing. Allele origin: germline. Affected: yes. Observed: 2 variant alleles.
Comment: FAT1: BP4, BS2

PreventionGenetics, part of Exact Sciences
Classification: Benign for FAT1-related condition. Last evaluated: 2022-09-27. Review status: no assertion criteria provided. Collection method: clinical testing. Allele origin: germline. Not counted in ClinVar's aggregate classification.
Comment: This variant is classified as benign based on ACMG/AMP sequence variant interpretation guidelines (Richards et al. 2015 PMID: 25741868, with internal and published modifications).

Department of Pathology and Laboratory Medicine, Sinai Health System
Classification: Likely benign. Review status: no assertion criteria provided. Collection method: clinical testing. Allele origin: unknown. Affected: yes. Study: The Canadian Open Genetics Repository (COGR). Not counted in ClinVar's aggregate classification.
Comment: The FAT1 p.Thr746Ala variant was not identified in the literature nor was it identified in ClinVar or LOVD 3.0. The variant was identified in dbSNP (ID: rs372906523) and in Cosmic (FATHMM predicted pathogenic; score=0.90). The variant was also found in control databases in 395 of 280626 chromosomes (4 homozygous) at a frequency of 0.001408 increasing the likelihood this could be a low frequency benign variant (Genome Aggregation Database Feb 27, 2017). The variant was observed in the following populations: South Asian in 298 of 30602 chromosomes (freq: 0.009738), Ashkenazi Jewish in 13 of 10352 chromosomes (freq: 0.001256), Other in 7 of 7138 chromosomes (freq: 0.000981), European (non-Finnish) in 61 of 128418 chromosomes (freq: 0.000475), Latino in 14 of 35364 chromosomes (freq: 0.000396), East Asian in 1 of 19536 chromosomes (freq: 0.000051) and African in 1 of 24194 chromosomes (freq: 0.000041); it was not observed in the European (Finnish) population. The variant occurs outside of the splicing consensus sequence and in silico or computational prediction software programs (SpliceSiteFinder, MaxEntScan, NNSPLICE, GeneSplicer) do not predict a difference in splicing. The p.Thr746 residue is not conserved in mammals and computational analyses (PolyPhen-2, SIFT, AlignGVGD, BLOSUM, MutationTaster) do not suggest a high likelihood of impact to the protein; however, this information is not predictive enough to rule out pathogenicity. In summary, based on the above information the clinical significance of this variant cannot be determined with certainty at this time although we would lean towards a more benign role for this variant. This variant is classified as likely benign.